The following is an entry in ClinVar:

NM_004006.3(DMD):c.9164-2A>G

Gene: DMD (dystrophin; minus strand). Cytogenetic location: Xp21.2.
Variant type: single nucleotide variant.
Coding change: c.9164-2A>G on transcript NM_004006.3 (MANE Select); the canonical splice acceptor site of the intron before coding-DNA position 9164, A replaced by G.
Molecular consequence: splice acceptor variant.
Genome position (GRCh38, 1-based): chrX:31,323,660, T>C on the plus strand (A>G on the coding strand, the complement: DMD is on the minus strand). VCF-style: chrX-31323660-T-C. GRCh37 (hg19) VCF-style: chrX-31341777-T-C.
Other names: c.9140-2A>G (NM_000109.4); c.5141-2A>G (NM_004011.4); c.5132-2A>G (NM_004012.4); c.1784-2A>G (NM_004023.3, NM_004020.4, NM_004022.3 and 2 more transcripts); c.977-2A>G (NM_004014.3); c.9152-2A>G (NM_004009.3); c.8795-2A>G (NM_004010.3).
Identifiers: ClinVar variation 1322744 (VCV001322744.7), dbSNP rs2148297581, ClinGen allele CA412651772.

ClinVar aggregate classification (germline): Pathogenic (1 of 4 stars; one submission).

Conditions:
Duchenne muscular dystrophy (DMD). Also called: MUSCULAR DYSTROPHY, PSEUDOHYPERTROPHIC PROGRESSIVE, DUCHENNE TYPE; Duchenne Muscular Dystrophy (DMD). Identifiers: Orphanet 98896, MedGen C0013264, MONDO:0010679, OMIM 310200.

Submissions (3):

Labcorp Genetics (formerly Invitae), Labcorp
Classification: Pathogenic for Duchenne muscular dystrophy. Last evaluated: 2021-12-02. Review status: criteria provided, single submitter. Criteria: Invitae Variant Classification Sherloc (09022015). Collection method: clinical testing. Allele origin: germline.
Comment: This variant is not present in population databases (gnomAD no frequency). For these reasons, this variant has been classified as Pathogenic. Algorithms developed to predict the effect of sequence changes on RNA splicing suggest that this variant may disrupt the consensus splice site. Disruption of this splice site has been observed in individual(s) with Duchenne muscular dystrophy (PMID: 28859693). This sequence change affects an acceptor splice site in intron 61 of the DMD gene. It is expected to disrupt RNA splicing. Variants that disrupt the donor or acceptor splice site typically lead to a loss of protein function (PMID: 16199547), and loss-of-function variants in DMD are known to be pathogenic (PMID: 16770791, 25007885).

Dr. Peter K. Rogan Lab, Western University
No classification provided (evidence only). Condition: Thyroid cancer, nonmedullary, 1. Review status: no classification provided. Collection method: in vitro. Allele origin: not applicable. Functional consequence: retained intron. Not counted in ClinVar's aggregate classification.

Dr. Peter K. Rogan Lab, Western University
No classification provided (evidence only). Condition: Thyroid cancer, nonmedullary, 1. Review status: no classification provided. Collection method: in vitro. Allele origin: not applicable. Functional consequence: retained intron. Not counted in ClinVar's aggregate classification.

Literature cited by the submitters: PubMed 28859693 (cited by Labcorp Genetics (formerly Invitae), Labcorp); PubMed 16199547 (cited by Labcorp Genetics (formerly Invitae), Labcorp); PubMed 16770791 (cited by Labcorp Genetics (formerly Invitae), Labcorp); PubMed 25007885 (cited by Labcorp Genetics (formerly Invitae), Labcorp).